The following is an entry in ClinVar:

ClinVar aggregate classification (germline): Uncertain significance (1 of 4 stars; one submission).

Conditions:
Dilated cardiomyopathy 1HH (CMD1HH). Identifiers: Orphanet 154, MedGen C3151293, MONDO:0013479, OMIM 613881.
Myofibrillar myopathy 6. Identifiers: Orphanet 199340, MedGen C2751831, MONDO:0013061, OMIM 612954.

Allele frequency attached by ClinVar (database versions not stated): gnomAD 0.00001; gnomAD exomes 0.00001 and 0.00002; ExAC 0.00002.
gnomAD v4.1: 26 of 1,613,940 alleles (0.0016%); highest among the groups gnomAD compares: South Asian, 0.025%; 1 homozygote.

Submission:

Labcorp Genetics (formerly Invitae), Labcorp
Classification: Uncertain significance for Dilated cardiomyopathy 1HH; Myofibrillar myopathy 6. Last evaluated: 2023-07-17. Review status: criteria provided, single submitter. Criteria: Invitae Variant Classification Sherloc (09022015). Collection method: clinical testing. Allele origin: germline.
Comment: ClinVar contains an entry for this variant (Variation ID: 841027). In summary, the available evidence is currently insufficient to determine the role of this variant in disease. Therefore, it has been classified as a Variant of Uncertain Significance. Advanced modeling of protein sequence and biophysical properties (such as structural, functional, and spatial information, amino acid conservation, physicochemical variation, residue mobility, and thermodynamic stability) performed at Invitae indicates that this missense variant is not expected to disrupt BAG3 protein function. This variant has not been reported in the literature in individuals affected with BAG3-related conditions. This variant is present in population databases (rs750627409, gnomAD 0.01%). This sequence change replaces glycine, which is neutral and non-polar, with arginine, which is basic and polar, at codon 411 of the BAG3 protein (p.Gly411Arg).

NM_004281.4(BAG3):c.1231G>A (p.Gly411Arg)

Gene: BAG3 (BAG cochaperone 3; plus strand). Cytogenetic location: 10q26.11.
Variant type: single nucleotide variant.
Coding change: c.1231G>A on transcript NM_004281.4 (MANE Select); coding-DNA position 1231, G replaced by A.
Protein change: p.Gly411Arg; replaces glycine 411 with arginine.
Molecular consequence: missense variant.
Genome position (GRCh38, 1-based): chr10:119,676,785, G>A. VCF-style: chr10-119676785-G-A. GRCh37 (hg19) VCF-style: chr10-121436297-G-A.
Other names: short protein forms G411R.
Identifiers: ClinVar variation 841027 (VCV000841027.9), dbSNP rs750627409, ClinGen allele CA5716515.